The following is an entry in ClinVar:

NM_001130987.2(DYSF):c.386G>A (p.Gly129Glu)

Gene: DYSF (dysferlin; plus strand). Cytogenetic location: 2p13.2.
Variant type: single nucleotide variant.
Coding change: c.386G>A on transcript NM_001130987.2 (MANE Select); coding-DNA position 386, G replaced by A.
Protein change: p.Gly129Glu; replaces glycine 129 with glutamic acid.
Molecular consequence: missense variant.
Genome position (GRCh38, 1-based): chr2:71,511,847, G>A. VCF-style: chr2-71511847-G-A. GRCh37 (hg19) VCF-style: chr2-71738977-G-A.
Other names: NM_001130987.2(DYSF):c.386G>A; c.386G>A, p.Gly129Glu (NM_001130455.2, NM_001130982.2, NM_001130983.2 and 3 more transcripts); c.383G>A, p.Gly128Glu (NM_001130976.2, NM_001130977.2, NM_001130978.2 and 4 more transcripts); short protein forms G128E, G129E.
Identifiers: ClinVar variation 94311 (VCV000094311.66), dbSNP rs34997054, ClinGen allele CA147747.
Genomic context (GRCh38, chr2:71,511,847, plus strand): 5'-CCACGTCTCATCTCTTCCAGGCCTCGCTGGTCCTGCAGGTGTCCTACACACCGCTGCCTG[G>A]AGCTGTGCCCCTGTTCCCGCCCCCTACTCCTCTGGAGCCCTCCCCGACTCTGCCTGACCT-3'
Protein context (NP_001124459.1, residues 119-139): VLQVSYTPLP[Gly129Glu]AVPLFPPPTP

ClinVar aggregate classification (germline): Benign. Review status: reviewed by expert panel (3 of 4 stars). 22 submissions from 22 submitters: Benign (1). 21 of the submissions do not count toward it. Last evaluated 2025-05-19.

Conditions:
DYSF-related disorder. Also called: DYSF-related disorders; DYSF-related condition.
Inborn genetic diseases. Identifiers: MedGen C0950123, MeSH D030342.
Muscular dystrophy. Identifiers: Orphanet 98473, MedGen C0026850, MeSH D009136, MONDO:0020121, HP:0003560.
Autosomal recessive limb-girdle muscular dystrophy. Identifiers: Orphanet 102015, MedGen C2931907, MONDO:0015152.
Neuromuscular disease caused by qualitative or quantitative defects of dysferlin. Also called: Qualitative or quantitative defects of dysferlin; Dysferlinopathy. Identifiers: Orphanet 207073, MedGen C2931687, MONDO:0016145.
Autosomal recessive limb-girdle muscular dystrophy type 2B (LGMDR2). Also called: MUSCULAR DYSTROPHY, LIMB-GIRDLE, TYPE 3; Limb-Girdle Muscular Dystrophy Type 2B (LGMD2B); MUSCULAR DYSTROPHY, LIMB-GIRDLE, AUTOSOMAL RECESSIVE 2; Limb-girdle muscular dystrophy, type 2B. Identifiers: Orphanet 268, MedGen C1850889, MONDO:0009676, OMIM 253601.
Miyoshi muscular dystrophy 1 (MMD1). Identifiers: Orphanet 45448, MedGen C4551973, MONDO:0024545, OMIM 254130.

Allele frequency attached by ClinVar (database versions not stated): ESP Exome Variant Server 0.00295; 1000 Genomes Project 0.00160; gnomAD exomes 0.00453 and 0.00713; ExAC 0.00984; TOPMed 0.00433; 1000 Genomes Project 30x 0.00203; gnomAD 0.00411.

Submissions (22):

ClinGen Limb Girdle Muscular Dystrophy Variant Curation Expert Panel, ClinGen
Classification: Benign for Autosomal recessive limb-girdle muscular dystrophy. Last evaluated: 2025-05-19. Review status: reviewed by expert panel. Criteria: ClinGen LGMD VCEP ACMG Specifications DYSF V1.0.0. Collection method: curation. Allele origin: germline. Inheritance: Autosomal recessive inheritance.
Comment: The NM_003494.4: c.383G>A variant in DYSF, which is also known as NM_001130987.2: c.386G>A p.(Gly129Glu), is a missense variant predicted to cause substitution of glycine by glutamic acid at amino acid 128, p.(Gly128Glu). The Grpmax filtering allele frequency of this variant in gnomAD v4.1.0 is 0.03324 (the lower threshold of the 95% CI of 223/5988 Middle Eastern chromosomes), which is higher than the VCEP threshold of 0.003 (BA1). While this variant has been reported with a second heterozygous DYSF variant in an individual with reduced dysferlin expression (PMID: 21522182), its frequency in control populations is high relative to disease prevalence (PM3 not met). The SpliceAI score for this variant is 0.01, suggesting it does not impact splicing. The computational predictor REVEL gives a score of 0.45 (PP3 and BP4 not met). In summary, this variant meets the criteria to be classified as Benign for autosomal recessive limb girdle muscular dystrophy based on the ACMG/AMP criteria applied, as specified by the ClinGen LGMD VCEP (LGMD VCEP specifications version 1.0.0; 05/19/2025): BA1.

CeGaT Center for Human Genetics Tuebingen
Classification: Benign. Last evaluated: 2026-05-01. Review status: criteria provided, single submitter. Criteria: CeGaT Center For Human Genetics Tuebingen Variant Classification Criteria Version 2. Collection method: clinical testing. Allele origin: germline. Affected: yes. Observed: 16 variant alleles. Not counted in ClinVar's aggregate classification.
Comment: DYSF: BS1, BS2

Labcorp Genetics (formerly Invitae), Labcorp
Classification: Benign for Neuromuscular disease caused by qualitative or quantitative defects of dysferlin. Last evaluated: 2026-02-04. Review status: criteria provided, single submitter. Criteria: Invitae Variant Classification Sherloc (09022015). Collection method: clinical testing. Allele origin: germline. Not counted in ClinVar's aggregate classification.

Genomic Medicine Center of Excellence, King Faisal Specialist Hospital and Research Centre
Classification: Likely benign for Autosomal recessive limb-girdle muscular dystrophy type 2B. Last evaluated: 2025-07-30. Review status: criteria provided, single submitter. Criteria: ACMG Guidelines, 2015. Collection method: clinical testing. Allele origin: germline. Not counted in ClinVar's aggregate classification.

Blueprint Genetics
Classification: Likely benign. Last evaluated: 2024-11-26. Review status: criteria provided, single submitter. Criteria: ACMG Guidelines, 2015. Collection method: clinical testing. Allele origin: germline. Not counted in ClinVar's aggregate classification.

Molecular Genetics, Royal Melbourne Hospital
Classification: Likely benign for Autosomal recessive limb-girdle muscular dystrophy. Last evaluated: 2024-02-05. Review status: criteria provided, single submitter. Criteria: ACMG Guidelines, 2015. Collection method: clinical testing. Allele origin: germline. Inheritance: Autosomal recessive inheritance. Not counted in ClinVar's aggregate classification.

Women's Health and Genetics/Laboratory Corporation of America, LabCorp
Classification: Benign. Last evaluated: 2022-02-22. Review status: criteria provided, single submitter. Criteria: LabCorp Variant Classification Summary - May 2015. Collection method: clinical testing. Allele origin: germline. Not counted in ClinVar's aggregate classification.
Comment: Variant summary: DYSF c.383G>A (p.Gly128Glu) results in a non-conservative amino acid change located in the Ferlin, first C2 domain (IPR037726) of the encoded protein sequence. Three of five in-silico tools predict a damaging effect of the variant on protein function. The variant allele was found at a frequency of 0.0071 in 156748 control chromosomes in the gnomAD database, including 21 homozygotes. The observed variant frequency is approximately 2-fold of the estimated maximal expected allele frequency for a pathogenic variant in DYSF causing Limb-Girdle Muscular Dystrophy, Autosomal Recessive phenotype (0.0031), strongly suggesting that the variant is benign. Eleven clinical diagnostic laboratories have submitted clinical-significance assessments for this variant to ClinVar after 2014 and reported the variant with conflicting assessments (benign/likely benign [n=8], uncertain significance [n=2], likely pathogenic [n=1]). Based on the evidence outlined above, the variant was classified as benign.

Genome-Nilou Lab
Classification: Likely benign for Miyoshi muscular dystrophy 1. Last evaluated: 2021-05-18. Review status: criteria provided, single submitter. Criteria: ACMG Guidelines, 2015. Collection method: clinical testing. Allele origin: germline. Affected: no. Not counted in ClinVar's aggregate classification.

Dubai Health Genomic Medicine Center, Dubai Health
Classification: Benign for Autosomal recessive limb-girdle muscular dystrophy type 2B. Last evaluated: 2020-01-02. Review status: criteria provided, single submitter. Criteria: ACMG Guidelines, 2015. Collection method: clinical testing. Allele origin: germline. Affected: yes. Not counted in ClinVar's aggregate classification.

Mendelics
Classification: Benign for Autosomal recessive limb-girdle muscular dystrophy type 2B. Last evaluated: 2019-05-28. Review status: criteria provided, single submitter. Criteria: Mendelics Assertion Criteria 2017. Collection method: clinical testing. Allele origin: unknown. Not counted in ClinVar's aggregate classification.

Mayo Clinic Laboratories, Mayo Clinic
Classification: Benign. Last evaluated: 2018-10-17. Review status: criteria provided, single submitter. Criteria: ACMG Guidelines, 2015. Collection method: clinical testing. Allele origin: germline. Observed: 17 variant alleles. Not counted in ClinVar's aggregate classification.

Genomic Research Center, Shahid Beheshti University of Medical Sciences
Classification: Likely pathogenic for Muscular dystrophy. Last evaluated: 2017-06-18. Review status: criteria provided, single submitter. Criteria: ACMG Guidelines, 2015. Collection method: clinical testing. Allele origin: inherited. Affected: yes. Observed: 1 variant allele. Not counted in ClinVar's aggregate classification.

GeneDx
Classification: Benign. Last evaluated: 2016-09-05. Review status: criteria provided, single submitter. Criteria: GeneDx Variant Classification (06012015). Collection method: clinical testing. Allele origin: germline. Affected: yes. Not counted in ClinVar's aggregate classification.
Comment: This variant is considered likely benign or benign based on one or more of the following criteria: it is a conservative change, it occurs at a poorly conserved position in the protein, it is predicted to be benign by multiple in silico algorithms, and/or has population frequency not consistent with disease.

Laboratory for Molecular Medicine, Mass General Brigham Personalized Medicine
Classification: Benign. Last evaluated: 2016-03-03. Review status: criteria provided, single submitter. Criteria: LMM Criteria. Collection method: clinical testing. Allele origin: germline. Observed: 1 variant allele. Not counted in ClinVar's aggregate classification.
Comment: p.Gly129Glu in exon 5 of DYSF: This variant is not expected to have clinical sig nificance because it has been identified in 1.8% (162/8872) of European chromoso mes, including 3 homozygotes by the Exome Aggregation Consortium (ExAC; dbSNP rs34997054).

Eurofins Ntd Llc (ga)
Classification: Benign. Last evaluated: 2015-07-01. Review status: criteria provided, single submitter. Criteria: EGL Classification Definitions 2015. Collection method: clinical testing. Allele origin: germline. Observed: 2 variant alleles, 2 heterozygotes. Not counted in ClinVar's aggregate classification.

Ambry Genetics
Classification: Benign for Inborn genetic diseases. Last evaluated: 2013-11-14. Review status: criteria provided, single submitter. Criteria: Ambry Autosomal Dominant and X-Linked criteria (10/2015). Collection method: clinical testing. Allele origin: germline. Observed: 1 variant allele. Not counted in ClinVar's aggregate classification.

Natera, Inc.
Classification: Benign for Limb-girdle muscular dystrophy type 2B. Last evaluated: 2020-09-16. Review status: no assertion criteria provided. Collection method: clinical testing. Allele origin: germline. Not counted in ClinVar's aggregate classification.

PreventionGenetics, part of Exact Sciences
Classification: Benign for DYSF-related condition. Last evaluated: 2019-12-16. Review status: no assertion criteria provided. Collection method: clinical testing. Allele origin: germline. Not counted in ClinVar's aggregate classification.
Comment: This variant is classified as benign based on ACMG/AMP sequence variant interpretation guidelines (Richards et al. 2015 PMID: 25741868, with internal and published modifications).

Counsyl
Classification: Likely benign for Autosomal recessive limb-girdle muscular dystrophy type 2B. Last evaluated: 2017-09-12. Review status: no assertion criteria provided. Collection method: clinical testing. Allele origin: unknown. Not counted in ClinVar's aggregate classification.

Diagnostic Laboratory, Department of Genetics, University Medical Center Groningen
Classification: Benign. Review status: no assertion criteria provided. Collection method: clinical testing. Allele origin: germline. Affected: yes. Study: VKGL Data-share Consensus. Not counted in ClinVar's aggregate classification.

Genome Diagnostics Laboratory, University Medical Center Utrecht
Classification: Likely benign. Review status: no assertion criteria provided. Collection method: clinical testing. Allele origin: germline. Affected: yes. Study: VKGL Data-share Consensus. Not counted in ClinVar's aggregate classification.

Laboratory of Diagnostic Genome Analysis, Leiden University Medical Center (LUMC)
Classification: Likely benign. Review status: no assertion criteria provided. Collection method: clinical testing. Allele origin: germline. Affected: yes. Study: VKGL Data-share Consensus. Not counted in ClinVar's aggregate classification.

Literature cited by the submitters: PubMed 27884173 (cited by Counsyl); PubMed 21522182 (cited by Counsyl).